The following is an entry in ClinVar:

NM_003482.4(KMT2D):c.7671G>A (p.Pro2557=)

Gene: KMT2D (lysine methyltransferase 2D; minus strand). Cytogenetic location: 12q13.12.
Variant type: single nucleotide variant.
Coding change: c.7671G>A on transcript NM_003482.4 (MANE Select); coding-DNA position 7671, G replaced by A.
Protein change: p.Pro2557=; no amino-acid change (proline 2557 retained).
Molecular consequence: synonymous variant.
Genome position (GRCh38, 1-based): chr12:49,040,099, C>T on the plus strand (G>A on the coding strand, the complement: KMT2D is on the minus strand). VCF-style: chr12-49040099-C-T. GRCh37 (hg19) VCF-style: chr12-49433882-C-T.
Other names: c.7671G>A (NM_003482.3).
Identifiers: ClinVar variation 1614993 (VCV001614993.9), dbSNP rs545623417, ClinGen allele CA6547012.

ClinVar aggregate classification (germline): Benign/Likely benign. Review status: criteria provided, multiple submitters, no conflicts (2 of 4 stars). 2 submissions from 2 submitters: Benign (1); Likely benign (1). Last evaluated 2025-09-14.

Conditions:
KMT2D-related disorder. Also called: KMT2D-Related Disorders.
Kabuki syndrome. Also called: NIIKAWA-KUROKI SYNDROME; Kabuki make-up syndrome. Identifiers: Orphanet 2322, MedGen C0796004, MONDO:0016512.

Allele frequency attached by ClinVar (database versions not stated): gnomAD 0.00002; TOPMed 0.00002; gnomAD exomes 0.00007 and 0.00017; 1000 Genomes Project 30x 0.00016; ExAC 0.00018; 1000 Genomes Project 0.00020.
gnomAD v4.1: 97 of 1,613,792 alleles (0.006%); highest among the groups gnomAD compares: South Asian, 0.1%; 6 homozygotes.

Submissions (2):

Labcorp Genetics (formerly Invitae), Labcorp
Classification: Benign for Kabuki syndrome. Last evaluated: 2025-09-14. Review status: criteria provided, single submitter. Criteria: Invitae Variant Classification Sherloc (09022015). Collection method: clinical testing. Allele origin: germline.

PreventionGenetics, part of Exact Sciences
Classification: Likely benign for KMT2D-related condition. Last evaluated: 2025-09-10. Review status: criteria provided, single submitter. Criteria: ACMG Guidelines, 2015. Collection method: clinical testing. Allele origin: germline.
Comment: This variant is classified as likely benign based on ACMG/AMP sequence variant interpretation guidelines (Richards et al. 2015 PMID: 25741868, with internal and published modifications).